The following is an entry in ClinVar:

NM_003482.4(KMT2D):c.8020C>G (p.Gln2674Glu)

Gene: KMT2D (lysine methyltransferase 2D; minus strand). Cytogenetic location: 12q13.12.
Variant type: single nucleotide variant.
Coding change: c.8020C>G on transcript NM_003482.4 (MANE Select); coding-DNA position 8020, C replaced by G.
Protein change: p.Gln2674Glu; replaces glutamine 2674 with glutamic acid.
Molecular consequence: missense variant.
Genome position (GRCh38, 1-based): chr12:49,039,750, G>C on the plus strand (C>G on the coding strand, the complement: KMT2D is on the minus strand). VCF-style: chr12-49039750-G-C. GRCh37 (hg19) VCF-style: chr12-49433533-G-C.
Other names: short protein forms Q2674E.
Identifiers: ClinVar variation 2070649 (VCV002070649.5), dbSNP rs1943402132, ClinGen allele CA384745766.

ClinVar aggregate classification (germline): Uncertain significance. Review status: criteria provided, multiple submitters, no conflicts (2 of 4 stars). 2 submissions from 2 submitters: Uncertain significance (2). Last evaluated 2024-03-13.

Conditions:
Choanal atresia-athelia-hypothyroidism-delayed puberty-short stature syndrome (BCAHH). Also called: BRANCHIAL ARCH ABNORMALITIES, CHOANAL ATRESIA, ATHELIA, HEARING LOSS, AND HYPOTHYROIDISM SYNDROME. Identifiers: Orphanet 589856, MedGen C5680310, MONDO:0035651, OMIM 620186.
Kabuki syndrome 1 (KABUK1). Also called: KMT2D-Related Kabuki Syndrome. Identifiers: Orphanet 2322, MedGen CN030661, MONDO:0007843, OMIM 147920.
Kabuki syndrome. Also called: NIIKAWA-KUROKI SYNDROME; Kabuki make-up syndrome. Identifiers: Orphanet 2322, MedGen C0796004, MONDO:0016512.

Allele frequency attached by ClinVar (database versions not stated): gnomAD exomes below 0.00001.
gnomAD v4.1: 3 of 1,613,544 alleles (0.00019%); highest among the groups gnomAD compares: Non-Finnish European, 0.00025%; no homozygotes.

Submissions (2):

Fulgent Genetics
Classification: Uncertain significance for Kabuki syndrome 1; Choanal atresia-athelia-hypothyroidism-delayed puberty-short stature syndrome. Last evaluated: 2024-03-13. Review status: criteria provided, single submitter. Criteria: ACMG Guidelines, 2015. Collection method: clinical testing. Allele origin: germline.

Labcorp Genetics (formerly Invitae), Labcorp
Classification: Uncertain significance for Kabuki syndrome. Last evaluated: 2022-08-27. Review status: criteria provided, single submitter. Criteria: Invitae Variant Classification Sherloc (09022015). Collection method: clinical testing. Allele origin: germline.
Comment: This sequence change replaces glutamine, which is neutral and polar, with glutamic acid, which is acidic and polar, at codon 2674 of the KMT2D protein (p.Gln2674Glu). This variant is not present in population databases (gnomAD no frequency). This variant has not been reported in the literature in individuals affected with KMT2D-related conditions. Advanced modeling of protein sequence and biophysical properties (such as structural, functional, and spatial information, amino acid conservation, physicochemical variation, residue mobility, and thermodynamic stability) performed at Invitae indicates that this missense variant is not expected to disrupt KMT2D protein function. In summary, the available evidence is currently insufficient to determine the role of this variant in disease. Therefore, it has been classified as a Variant of Uncertain Significance.